The following is an entry in ClinVar:

NM_178452.6(DNAAF1):c.196G>T (p.Gly66Cys)

Gene: DNAAF1 (dynein axonemal assembly factor 1; plus strand). Cytogenetic location: 16q24.1.
Variant type: single nucleotide variant.
Coding change: c.196G>T on transcript NM_178452.6 (MANE Select); coding-DNA position 196, G replaced by T.
Protein change: p.Gly66Cys; replaces glycine 66 with cysteine.
Molecular consequence: missense variant.
Genome position (GRCh38, 1-based): chr16:84,149,078, G>T. VCF-style: chr16-84149078-G-T. GRCh37 (hg19) VCF-style: chr16-84182683-G-T.
Other names: short protein forms G66C.
Identifiers: ClinVar variation 2086850 (VCV002086850.4), dbSNP rs1376964064, ClinGen allele CA396940178.
Genomic context (GRCh38, chr16:84,149,078, plus strand): 5'-CCTAAGGAAATATGTGTGGGTTCTTCTGACACATCCTACCACAGCCAGCAGAAACAGAGT[G>T]GTGATAATGGGTCAGGTGGTCACTTCGCACACCCAAGAGAAGACAGGGAAGATCGGGGCC-3'
Protein context (NP_848547.4, residues 56-76): TSYHSQQKQS[Gly66Cys]DNGSGGHFAH

ClinVar aggregate classification (germline): Uncertain significance (1 of 4 stars; one submission).

Conditions:
Primary ciliary dyskinesia. Also called: Ciliary dyskinesia. Identifiers: Orphanet 244, MedGen C0008780, MONDO:0016575, HP:0012265.

Allele frequency attached by ClinVar (database versions not stated): gnomAD exomes below 0.00001.
gnomAD v4.1: 1 of 1,614,138 alleles (0.000062%); highest among the groups gnomAD compares: Admixed American, 0.0017%; no homozygotes.

Submission:

Labcorp Genetics (formerly Invitae), Labcorp
Classification: Uncertain significance for Primary ciliary dyskinesia. Last evaluated: 2021-12-24. Review status: criteria provided, single submitter. Criteria: Invitae Variant Classification Sherloc (09022015). Collection method: clinical testing. Allele origin: germline.
Comment: This sequence change replaces glycine, which is neutral and non-polar, with cysteine, which is neutral and slightly polar, at codon 66 of the DNAAF1 protein (p.Gly66Cys). This variant is present in population databases (no rsID available, gnomAD 0.003%). This variant has not been reported in the literature in individuals affected with DNAAF1-related conditions. Algorithms developed to predict the effect of missense changes on protein structure and function are either unavailable or do not agree on the potential impact of this missense change (SIFT: "Deleterious"; PolyPhen-2: "Probably Damaging"; Align-GVGD: "Class C0"). In summary, the available evidence is currently insufficient to determine the role of this variant in disease. Therefore, it has been classified as a Variant of Uncertain Significance.